The following is an entry in ClinVar:

ClinVar aggregate classification (germline): Uncertain significance (1 of 4 stars; one submission).

Conditions:
Legius syndrome. Identifiers: Orphanet 137605, MedGen C1969623, MONDO:0012669, OMIM 611431. Disease mechanism: loss of function.

gnomAD v4.1: 11 of 1,573,570 alleles (0.0007%); highest among the groups gnomAD compares: Non-Finnish European, 0.00095%; no homozygotes.

Submission:

Labcorp Genetics (formerly Invitae), Labcorp
Classification: Uncertain significance for Legius syndrome. Last evaluated: 2024-07-16. Review status: criteria provided, single submitter. Criteria: Invitae Variant Classification Sherloc (09022015). Collection method: clinical testing. Allele origin: germline.
Comment: This sequence change falls in intron 1 of the SPRED1 gene. It does not directly change the encoded amino acid sequence of the SPRED1 protein. It affects a nucleotide within the consensus splice site. This variant is not present in population databases (gnomAD no frequency). This variant has not been reported in the literature in individuals affected with SPRED1-related conditions. Variants that disrupt the consensus splice site are a relatively common cause of aberrant splicing (PMID: 17576681, 9536098). Algorithms developed to predict the effect of sequence changes on RNA splicing suggest that this variant is not likely to affect RNA splicing. In summary, the available evidence is currently insufficient to determine the role of this variant in disease. Therefore, it has been classified as a Variant of Uncertain Significance.

Literature cited by the submitters: PubMed 17576681; PubMed 9536098.

NM_152594.3(SPRED1):c.32+6C>T

Gene: SPRED1 (sprouty related EVH1 domain containing 1; plus strand). Cytogenetic location: 15q14.
Variant type: single nucleotide variant.
Coding change: c.32+6C>T on transcript NM_152594.3 (MANE Select); 6 bases into the intron after coding-DNA position 32, C replaced by T.
Molecular consequence: intron variant.
Genome position (GRCh38, 1-based): chr15:38,253,223, C>T. VCF-style: chr15-38253223-C-T. GRCh37 (hg19) VCF-style: chr15-38545424-C-T.
Identifiers: ClinVar variation 3671881 (VCV003671881.2).